The following is an entry in ClinVar:

ClinVar aggregate classification (germline): Uncertain significance (1 of 4 stars; one submission).

Conditions:
Mosaic variegated aneuploidy syndrome 1 (MVA1). Also called: Warburton-Anyane-Yeboa syndrome. Identifiers: Orphanet 1052, MedGen C1850343, MONDO:0009759, OMIM 257300.

Allele frequency attached by ClinVar (database versions not stated): gnomAD exomes below 0.00001.
gnomAD v4.1: 1 of 1,596,528 alleles (0.000063%); highest among the groups gnomAD compares: Non-Finnish European, 0.000086%; no homozygotes.

Submission:

Labcorp Genetics (formerly Invitae), Labcorp
Classification: Uncertain significance for Mosaic variegated aneuploidy syndrome 1. Last evaluated: 2023-03-02. Review status: criteria provided, single submitter. Criteria: Invitae Variant Classification Sherloc (09022015). Collection method: clinical testing. Allele origin: germline.
Comment: ClinVar contains an entry for this variant (Variation ID: 665239). This variant has not been reported in the literature in individuals affected with BUB1B-related conditions. This variant is not present in population databases (gnomAD no frequency). This sequence change affects a donor splice site in intron 22 of the BUB1B gene. While this variant is not anticipated to result in nonsense mediated decay, it likely alters RNA splicing and results in a disrupted protein product. Variants that disrupt the consensus splice site are a relatively common cause of aberrant splicing (PMID: 17576681, 9536098). Algorithms developed to predict the effect of sequence changes on RNA splicing suggest that this variant may disrupt the consensus splice site. In summary, the available evidence is currently insufficient to determine the role of this variant in disease. Therefore, it has been classified as a Variant of Uncertain Significance.

Literature cited by the submitters: PubMed 17576681; PubMed 9536098.

NM_001211.6(BUB1B):c.2957+1G>A

Genes: BUB1B (BUB1 mitotic checkpoint serine/threonine kinase B; plus strand), BUB1B-PAK6 (BUB1B-PAK6 readthrough; plus strand). Cytogenetic location: 15q15.1.
Variant type: single nucleotide variant.
Coding change: c.2957+1G>A on transcript NM_001211.6 (MANE Select); the canonical splice donor site of the intron after coding-DNA position 2957, G replaced by A.
Molecular consequence: splice donor variant. On other transcripts: intron variant (2).
Genome position (GRCh38, 1-based): chr15:40,218,563, G>A. VCF-style: chr15-40218563-G-A. GRCh37 (hg19) VCF-style: chr15-40510764-G-A.
Other names: c.-201+896G>A (NM_001128628.3); c.-118+896G>A (NM_001128629.3).
Identifiers: ClinVar variation 665239 (VCV000665239.8), dbSNP rs1595540180, ClinGen allele CA391688423.